The following is an entry in ClinVar:

NM_000051.4(ATM):c.998C>G (p.Ser333Cys)

Gene: ATM (ATM serine/threonine kinase; plus strand). Cytogenetic location: 11q22.3.
Variant type: single nucleotide variant.
Coding change: c.998C>G on transcript NM_000051.4 (MANE Select); coding-DNA position 998, C replaced by G.
Protein change: p.Ser333Cys; replaces serine 333 with cysteine.
Molecular consequence: missense variant.
Genome position (GRCh38, 1-based): chr11:108,247,060, C>G. VCF-style: chr11-108247060-C-G. GRCh37 (hg19) VCF-style: chr11-108117787-C-G.
Other names: c.998C>G, p.Ser333Cys (NM_001351834.2); short protein forms S333C.
Identifiers: ClinVar variation 3894346 (VCV003894346.1).
Genomic context (GRCh38, chr11:108,247,060, plus strand): 5'-ACAACTTATATGATCTGCTAGTGAATGAGATAAGTCATATAGGAAGTAGAGGAAAGTATT[C>G]TTCAGGATTTCGTAATATTGCCGTCAAAGAAAATTTGATTGAATTGATGGCAGATATCTG-3'
Protein context (NP_000042.3, residues 323-343): ISHIGSRGKY[Ser333Cys]SGFRNIAVKE

ClinVar aggregate classification (germline): Uncertain significance (1 of 4 stars; one submission).

Conditions:
Hereditary cancer-predisposing syndrome. Also called: Neoplastic Syndromes, Hereditary; Tumor predisposition; Hereditary Cancer Syndrome; Hereditary neoplastic syndrome. Identifiers: Orphanet 140162, MedGen C0027672, MeSH D009386, MONDO:0015356.

Submission:

Color Diagnostics, LLC DBA Color Health
Classification: Uncertain significance for Hereditary cancer-predisposing syndrome. Last evaluated: 2024-02-13. Review status: criteria provided, single submitter. Criteria: ACMG Guidelines, 2015. Collection method: clinical testing. Allele origin: germline.
Comment: This missense variant replaces serine with cysteine at codon 333 of the ATM protein. Computational prediction suggests that this variant may not impact protein structure and function. To our knowledge, functional studies have not been reported for this variant. This variant has not been reported in individuals affected with ATM-related disorders in the literature. This variant has not been identified in the general population by the Genome Aggregation Database (gnomAD). The available evidence is insufficient to determine the role of this variant in disease conclusively. Therefore, this variant is classified as a Variant of Uncertain Significance.